The following is an entry in ClinVar:

ClinVar aggregate classification (germline): Uncertain significance (1 of 4 stars; one submission).

Conditions:
Hereditary cancer-predisposing syndrome. Also called: Tumor predisposition; Hereditary neoplastic syndrome; Hereditary Cancer Syndrome; Neoplastic Syndromes, Hereditary. Identifiers: Orphanet 140162, MedGen C0027672, MeSH D009386, MONDO:0015356.

Submission:

Ambry Genetics
Classification: Uncertain significance for Hereditary cancer-predisposing syndrome. Last evaluated: 2023-11-10. Review status: criteria provided, single submitter. Criteria: Ambry Variant Classification Scheme 2023. Collection method: clinical testing. Allele origin: germline.
Comment: The p.V65D variant (also known as c.194T>A), located in coding exon 2 of the BLM gene, results from a T to A substitution at nucleotide position 194. The valine at codon 65 is replaced by aspartic acid, an amino acid with highly dissimilar properties. This amino acid position is conserved. In addition, the in silico prediction for this alteration is inconclusive. Since supporting evidence is limited at this time, the clinical significance of this alteration remains unclear.

NM_000057.4(BLM):c.194T>A (p.Val65Asp)

Gene: BLM (BLM RecQ like helicase; plus strand). Cytogenetic location: 15q26.1.
Variant type: single nucleotide variant.
Coding change: c.194T>A on transcript NM_000057.4 (MANE Select); coding-DNA position 194, T replaced by A.
Protein change: p.Val65Asp; replaces valine 65 with aspartic acid.
Molecular consequence: missense variant. On other transcripts: 5 prime UTR variant (1).
Genome position (GRCh38, 1-based): chr15:90,749,462, T>A. VCF-style: chr15-90749462-T-A. GRCh37 (hg19) VCF-style: chr15-91292692-T-A.
Other names: c.194T>A, p.Val65Asp (NM_001287246.2, NM_001287247.2); c.-1098T>A (NM_001287248.2); short protein forms V65D.
Identifiers: ClinVar variation 3224141 (VCV003224141.1), dbSNP rs2505390617, ClinGen allele CA393839668.